The following is an entry in ClinVar:

ClinVar aggregate classification (germline): Uncertain significance (1 of 4 stars; one submission).

gnomAD v4.1: 14 of 1,609,356 alleles (0.00087%); highest among the groups gnomAD compares: South Asian, 0.013%; no homozygotes.

Submission:

Labcorp Genetics (formerly Invitae), Labcorp
Classification: Uncertain significance. Last evaluated: 2024-02-16. Review status: criteria provided, single submitter. Criteria: Invitae Variant Classification Sherloc (09022015). Collection method: clinical testing. Allele origin: germline.
Comment: This sequence change replaces proline, which is neutral and non-polar, with alanine, which is neutral and non-polar, at codon 1493 of the HMCN1 protein (p.Pro1493Ala). This variant is present in population databases (rs779770154, gnomAD 0.01%). This variant has not been reported in the literature in individuals affected with HMCN1-related conditions. An algorithm developed to predict the effect of missense changes on protein structure and function (PolyPhen-2) suggests that this variant is likely to be disruptive. In summary, the available evidence is currently insufficient to determine the role of this variant in disease. Therefore, it has been classified as a Variant of Uncertain Significance.

NM_031935.3(HMCN1):c.4477C>G (p.Pro1493Ala)

Gene: HMCN1 (hemicentin 1; plus strand). Cytogenetic location: 1q31.1.
Variant type: single nucleotide variant.
Coding change: c.4477C>G on transcript NM_031935.3 (MANE Select); coding-DNA position 4477, C replaced by G.
Protein change: p.Pro1493Ala; replaces proline 1493 with alanine.
Molecular consequence: missense variant.
Genome position (GRCh38, 1-based): chr1:186,007,129, C>G. VCF-style: chr1-186007129-C-G. GRCh37 (hg19) VCF-style: chr1-185976261-C-G.
Other names: short protein forms P1493A.
Identifiers: ClinVar variation 3686770 (VCV003686770.2).
Genomic context (GRCh38, chr1:186,007,129, plus strand): 5'-AAATAAGAAATGTGAAAAACTGAAAATAGACCCATGGAATAAAGTTTTATTTTTTCTAGG[C>G]CTTTATTTTTGGGCGATCCTAATGTTGAACTTCTAGACAGAGGACAAGTCTTACATTTAA-3'
Protein context (NP_114141.2, residues 1483-1503): PDIHWFKDGK[Pro1493Ala]LFLGDPNVEL